The following is an entry in ClinVar:

NM_001190274.2(FBXO11):c.149AGC[5] (p.Gln55_Gln56del)

Genes: FBXO11 (F-box protein 11; minus strand), LOC100506235 (uncharacterized LOC100506235; plus strand). Cytogenetic location: 2p16.3.
Variant type: Microsatellite.
Coding change: c.149AGC[5] on transcript NM_001190274.2 (MANE Select); five copies in a row of the 3-base unit AGC starting at c.149; the reference has seven copies in a row; two copies, 6 bases deleted.
Protein change: p.Gln55_Gln56del.
Molecular consequence: inframe deletion.
Genome position (GRCh38, 1-based): chr2:47,905,552-47,905,557, GCTGCT deleted on the plus strand (AGCAGC on the coding strand, the reverse complement: FBXO11 is on the minus strand); deleting any 6 consecutive bases within chr2:47,905,552-47,905,574 gives the same sequence; the position shown is the placement nearest the transcript's 3' end. VCF-style (leftmost placement, unchanged base first): chr2-47905551-GGCTGCT-G. GRCh37 (hg19) VCF-style: chr2-48132690-GGCTGCT-G.
Identifiers: ClinVar variation 1533284 (VCV001533284.24), dbSNP rs746953076, ClinGen allele CA426085479.

ClinVar aggregate classification (germline): Likely benign. Review status: criteria provided, multiple submitters, no conflicts (2 of 4 stars). 4 submissions from 4 submitters: Likely benign (4). Last evaluated 2026-07-01.

Submissions (4):

CeGaT Center for Human Genetics Tuebingen
Classification: Likely benign. Last evaluated: 2026-07-01. Review status: criteria provided, single submitter. Criteria: CeGaT Center For Human Genetics Tuebingen Variant Classification Criteria Version 2. Collection method: clinical testing. Allele origin: germline. Affected: yes. Observed: 3 variant alleles.
Comment: FBXO11: BS1

Labcorp Genetics (formerly Invitae), Labcorp
Classification: Likely benign. Last evaluated: 2026-01-28. Review status: criteria provided, single submitter. Criteria: Invitae Variant Classification Sherloc (09022015). Collection method: clinical testing. Allele origin: germline.

Laboratory of Genetics, Children's Clinical University Hospital Latvia
Classification: Likely benign. Last evaluated: 2025-02-16. Review status: criteria provided, single submitter. Criteria: ACMG Guidelines, 2015. Collection method: clinical testing. Allele origin: germline. Affected: yes.

Blueprint Genetics
Classification: Likely benign. Last evaluated: 2024-09-18. Review status: criteria provided, single submitter. Criteria: ACMG Guidelines, 2015. Collection method: clinical testing. Allele origin: germline.